The following is an entry in ClinVar:

ClinVar aggregate classification (germline): Likely pathogenic. Review status: reviewed by expert panel (3 of 4 stars). 3 submissions from 3 submitters: Likely pathogenic (1). 2 of the submissions do not count toward it. Last evaluated 2019-05-10.

Conditions:
RASopathy. Also called: rasopathies; Noonan spectrum disorder. Identifiers: Orphanet 536391, MedGen C5555857, MONDO:0021060.
Noonan syndrome and Noonan-related syndrome. Identifiers: Orphanet 98733, MedGen C5681679, MONDO:0020297.
Noonan syndrome 1 (NS1). Also called: PTPN11-Related Noonan Syndrome; TURNER PHENOTYPE WITH NORMAL KARYOTYPE; FEMALE PSEUDO-TURNER SYNDROME. Identifiers: Orphanet 648, MedGen C4551602, MONDO:0008104, OMIM 163950. Disease mechanism: gain of function.
Juvenile myelomonocytic leukemia (JMML). Also called: LEUKEMIA, JUVENILE MYELOMONOCYTIC, SOMATIC. Identifiers: Orphanet 86834, MedGen C0349639, MONDO:0011908, OMIM 607785, HP:0012209.
Metachondromatosis (METCDS). Identifiers: Orphanet 2499, MedGen C0410530, MONDO:0007979, OMIM 156250.
LEOPARD syndrome 1 (LPRD1). Also called: LENTIGINOSIS, CARDIOMYOPATHIC; MULTIPLE LENTIGINES SYNDROME; PTPN11-Related LEOPARD Syndrome. Identifiers: Orphanet 500, MedGen C4551484, MONDO:0100082, OMIM 151100.

Allele frequency attached by ClinVar (database versions not stated): TOPMed below 0.00001.

Submissions (3):

ClinGen RASopathy Variant Curation Expert Panel
Classification: Likely pathogenic for Noonan syndrome and Noonan-related syndrome. Last evaluated: 2019-05-10. Review status: reviewed by expert panel. Criteria: ClinGen RASopathy ACMG Specifications v1. Collection method: curation. Allele origin: germline. Inheritance: Autosomal dominant inheritance.
Comment: The c.167T>C (p.Ile56Thr) variant in PTPN11 has been identified in 2 related patients with clinical features of a RASopathy (PS4_Supporting, PP1; Invitae internal data; GTR Lab ID 500031; ClinVar SCV000659038.1). A different pathogenic missense variant (p.Ile56Val) has been previously identified at this codon of PTPN11 which may indicate that this residue is critical to the function of the protein (PM5; ClinVar 40485). This variant was absent from large population studies (PM2; gnomAD). The variant is located in the PTPN11 gene, which has been defined by the ClinGen RASopathy Expert Panel as a gene with a low rate of benign missense variants and pathogenic missense variants are common (PP2; PMID: 29493581). Computational prediction tools and conservation analysis suggest that the p.Ile56Thr variant may impact the protein (PP3). In summary, this variant meets criteria to be classified as likely pathogenic for RASopathies in an autosomal dominant manner. RASopathy-specific ACMG/AMP criteria applied (PMID:29493581): PS4_Supporting, PP1, PM2, PM5, PP2, PP3.

Labcorp Genetics (formerly Invitae), Labcorp
Classification: Uncertain significance for RASopathy. Last evaluated: 2017-07-26. Review status: criteria provided, single submitter. Criteria: Invitae Variant Classification Sherloc (09022015). Collection method: clinical testing. Allele origin: germline. Not counted in ClinVar's aggregate classification.
Comment: In summary, the available evidence is currently insufficient to determine the role of this variant in disease. Therefore, it has been classified as a Variant of Uncertain Significance. Algorithms developed to predict the effect of missense changes on protein structure and function do not agree on the potential impact of this missense change (SIFT: "Tolerated"; PolyPhen-2: "Probably Damaging"; Align-GVGD: "Class C0"). This variant has not been reported in the literature in individuals with PTPN11-related disease. This variant is not present in population databases (ExAC no frequency). This sequence change replaces isoleucine with threonine at codon 56 of the PTPN11 protein (p.Ile56Thr). The isoleucine residue is moderately conserved and there is a moderate physicochemical difference between isoleucine and threonine.

Juno Genomics, Hangzhou Juno Genomics, Inc
Classification: Likely pathogenic for LEOPARD syndrome 1; Juvenile myelomonocytic leukemia; Metachondromatosis; Noonan syndrome 1. Review status: criteria provided, single submitter. Criteria: ACMG Guidelines, 2015. Collection method: clinical testing. Allele origin: germline. Affected: yes. Not counted in ClinVar's aggregate classification.
Comment: Absent from controls (or at extremely low frequency if recessive) in Genome Aggregation Database, Exome Sequencing Project, 1000 Genomes Project, or Exome Aggregation Consortium.;The prevalence of the variant in affected individuals is significantly increased compared to the prevalence in controls.;Multiple lines of computational evidence support a deleterious effect on the gene or gene product (conservation, evolutionary, splicing impact, etc).;Missense variant in a gene that has a low rate of benign missense variation and where missense variants are a common mechanism of disease.;Novel missense change at an amino acid residue where a different missense change determined to be pathogenic has been seen before.

NM_002834.5(PTPN11):c.167T>C (p.Ile56Thr)

Gene: PTPN11 (protein tyrosine phosphatase non-receptor type 11; plus strand). Cytogenetic location: 12q24.13.
Variant type: single nucleotide variant.
Coding change: c.167T>C on transcript NM_002834.5 (MANE Select); coding-DNA position 167, T replaced by C.
Protein change: p.Ile56Thr; replaces isoleucine 56 with threonine.
Molecular consequence: missense variant.
Genome position (GRCh38, 1-based): chr12:112,450,347, T>C. VCF-style: chr12-112450347-T-C. GRCh37 (hg19) VCF-style: chr12-112888151-T-C.
Other names: NM_002834.4(PTPN11):c.167T>C; c.167T>C, p.Ile56Thr (NM_001330437.2, NM_080601.3); c.164T>C, p.Ile55Thr (NM_001374625.1); short protein forms I56T, I55T.
Identifiers: ClinVar variation 477669 (VCV000477669.10), dbSNP rs1052382672, ClinGen allele CA243707917.
Genomic context (GRCh38, chr12:112,450,347, plus strand): 5'-CCTTGCCTCCCTTTCCAATGGACTATTTTAGAAGAAATGGAGCTGTCACCCACATCAAGA[T>C]TCAGAACACTGGTGATTACTATGACCTGTATGGAGGGGAGAAATTTGCCACTTTGGCTGA-3'
Protein context (NP_002825.3, residues 46-66): RRNGAVTHIK[Ile56Thr]QNTGDYYDLY